The following is an entry in ClinVar:

NM_002074.5(GNB1):c.670G>A (p.Gly224Ser)

Gene: GNB1 (G protein subunit beta 1; minus strand). Cytogenetic location: 1p36.33.
Variant type: single nucleotide variant.
Coding change: c.670G>A on transcript NM_002074.5 (MANE Select); coding-DNA position 670, G replaced by A.
Protein change: p.Gly224Ser; replaces glycine 224 with serine.
Molecular consequence: missense variant.
Genome position (GRCh38, 1-based): chr1:1,790,424, C>T on the plus strand (G>A on the coding strand, the complement: GNB1 is on the minus strand). VCF-style: chr1-1790424-C-T. GRCh37 (hg19) VCF-style: chr1-1721863-C-T.
Other names: c.370G>A, p.Gly124Ser (NM_001282538.2); c.670G>A, p.Gly224Ser (NM_001282539.2); short protein forms G124S, G224S.
Identifiers: ClinVar variation 4540325 (VCV004540325.2).

ClinVar aggregate classification (germline): Uncertain significance (1 of 4 stars; one submission).

Submission:

GeneDx
Classification: Uncertain significance. Last evaluated: 2026-01-20. Review status: criteria provided, single submitter. Criteria: GeneDx Variant Classification Process June 2021. Collection method: clinical testing. Allele origin: germline.
Comment: Not observed at significant frequency in large population cohorts (gnomAD); In silico analysis supports that this missense variant has a deleterious effect on protein structure/function; Has not been previously published as pathogenic or benign to our knowledge